The following is an entry in ClinVar:

NM_000494.4(COL17A1):c.2029G>C (p.Gly677Arg)

Gene: COL17A1 (collagen type XVII alpha 1 chain; minus strand). Cytogenetic location: 10q25.1.
Variant type: single nucleotide variant.
Coding change: c.2029G>C on transcript NM_000494.4 (MANE Select); coding-DNA position 2029, G replaced by C.
Protein change: p.Gly677Arg; replaces glycine 677 with arginine.
Molecular consequence: missense variant.
Genome position (GRCh38, 1-based): chr10:104,051,490, C>G on the plus strand (G>C on the coding strand, the complement: COL17A1 is on the minus strand). VCF-style: chr10-104051490-C-G. GRCh37 (hg19) VCF-style: chr10-105811248-C-G.
Other names: short protein forms G677R.
Identifiers: ClinVar variation 4992088 (VCV004992088.1).

ClinVar aggregate classification (germline): Uncertain significance (1 of 4 stars; one submission).

Conditions:
COL17A1-related disorder. Also called: COL17A1-related condition.

Submission:

PreventionGenetics, part of Exact Sciences
Classification: Uncertain significance for COL17A1-related condition. Last evaluated: 2026-06-10. Review status: criteria provided, single submitter. Criteria: ACMG Guidelines, 2015. Collection method: clinical testing. Allele origin: germline.
Comment: The COL17A1 c.2029G>C variant is predicted to result in the amino acid substitution p.Gly677Arg. To our knowledge, this variant has not been reported in the literature or in a large population database (gnomAD), indicating this variant is rare. This variant is located in the conserved Gly-Xaa-Yaa triple helical domain where substitutions of a glycine have been documented to be pathogenic (Väisänen et al. 2005. PubMed ID: 16354180). Although we suspect that this variant may be pathogenic, at this time, the clinical significance of this variant is uncertain due to the absence of conclusive functional and genetic evidence.